The following is an entry in ClinVar:

ClinVar aggregate classification (germline): Conflicting classifications of pathogenicity. Review status: criteria provided, conflicting classifications (1 of 4 stars). 2 submissions from 2 submitters: Uncertain significance (1); Likely benign (1). Last evaluated 2022-07-14.

Conditions:
Inborn genetic diseases. Identifiers: MedGen C0950123, MeSH D030342.
Autosomal recessive spastic paraplegia type 78. Identifiers: Orphanet 513436, MedGen C5567893, MONDO:0014975, OMIM 617225.
Kufor-Rakeb syndrome (KRS). Also called: PARKINSON DISEASE 9, AUTOSOMAL RECESSIVE, JUVENILE-ONSET. Identifiers: Orphanet 306674, Orphanet 314632, MedGen C1847640, MONDO:0011706, OMIM 606693.

Allele frequency attached by ClinVar (database versions not stated): ExAC 0.00001; gnomAD exomes 0.00002; TOPMed 0.00003.
gnomAD v4.1: 9 of 1,614,082 alleles (0.00056%); highest among the groups gnomAD compares: Admixed American, 0.015%; no homozygotes.

Submissions (2):

Labcorp Genetics (formerly Invitae), Labcorp
Classification: Uncertain significance for Kufor-Rakeb syndrome; Autosomal recessive spastic paraplegia type 78. Last evaluated: 2022-07-14. Review status: criteria provided, single submitter. Criteria: Invitae Variant Classification Sherloc (09022015). Collection method: clinical testing. Allele origin: germline.
Comment: This sequence change affects codon 166 of the ATP13A2 mRNA. It is a 'silent' change, meaning that it does not change the encoded amino acid sequence of the ATP13A2 protein. This variant is present in population databases (rs770121912, gnomAD 0.02%). This variant has not been reported in the literature in individuals affected with ATP13A2-related conditions. Algorithms developed to predict the effect of sequence changes on RNA splicing suggest that this variant may create or strengthen a splice site. In summary, the available evidence is currently insufficient to determine the role of this variant in disease. Therefore, it has been classified as a Variant of Uncertain Significance.

Ambry Genetics
Classification: Likely benign for Inborn genetic diseases. Last evaluated: 2018-07-10. Review status: criteria provided, single submitter. Criteria: Ambry Variant Classification Scheme 2023. Collection method: clinical testing. Allele origin: germline.

NM_022089.4(ATP13A2):c.498C>T (p.Tyr166=)

Gene: ATP13A2 (ATPase cation transporting 13A2; minus strand). Cytogenetic location: 1p36.13.
Variant type: single nucleotide variant.
Coding change: c.498C>T on transcript NM_022089.4 (MANE Select); coding-DNA position 498, C replaced by T.
Protein change: p.Tyr166=; no amino-acid change (tyrosine 166 retained).
Molecular consequence: synonymous variant.
Genome position (GRCh38, 1-based): chr1:17,004,391, G>A on the plus strand (C>T on the coding strand, the complement: ATP13A2 is on the minus strand). VCF-style: chr1-17004391-G-A. GRCh37 (hg19) VCF-style: chr1-17330886-G-A.
Other names: c.483C>T, p.Tyr161= (NM_001141973.3, NM_001141974.3).
Identifiers: ClinVar variation 1744575 (VCV001744575.4), dbSNP rs770121912, ClinGen allele CA637610.
Genomic context (GRCh38, chr1:17,004,391, plus strand): 5'-CCTGACCTGGTAGAAGGCTTGCTGGGTCTCGATCCAGATATAGCGCTGGCCCTGGAAGAG[G>A]TAATACCGCAGCACCCGCTTCTGGGTGGGAGAGAGGAGAGGATGGGTTGGAAGCTGGCCC-3'
Protein context (NP_071372.1, residues 156-176): SVGQKRVLRY[Tyr166=]LFQGQRYIWI